The following is an entry in ClinVar:

ClinVar aggregate classification (germline): Conflicting classifications of pathogenicity. Review status: criteria provided, conflicting classifications (1 of 4 stars). 6 submissions from 6 submitters: Uncertain significance (1); Benign (1); Likely benign (1). 3 of the submissions do not count toward it. Last evaluated 2026-01-21.

Submissions (6):

Labcorp Genetics (formerly Invitae), Labcorp
Classification: Benign. Last evaluated: 2026-01-21. Review status: criteria provided, single submitter. Criteria: Invitae Variant Classification Sherloc (09022015). Collection method: clinical testing. Allele origin: germline.

GeneDx
Classification: Uncertain significance. Last evaluated: 2022-06-20. Review status: criteria provided, single submitter. Criteria: GeneDx Variant Classification Process June 2021. Collection method: clinical testing. Allele origin: germline. Affected: yes.
Comment: In-frame insertion of 6 amino acids in a non-repeat region; Has not been previously published as pathogenic or benign to our knowledge

Blueprint Genetics
Classification: Likely benign. Last evaluated: 2022-03-08. Review status: criteria provided, single submitter. Criteria: ACMG Guidelines, 2015. Collection method: clinical testing. Allele origin: germline.

Diagnostic Laboratory, Department of Genetics, University Medical Center Groningen
Classification: Likely benign. Review status: no assertion criteria provided. Collection method: clinical testing. Allele origin: germline. Affected: yes. Study: VKGL Data-share Consensus. Not counted in ClinVar's aggregate classification.

Genome Diagnostics Laboratory, University Medical Center Utrecht
Classification: Likely benign. Review status: no assertion criteria provided. Collection method: clinical testing. Allele origin: germline. Affected: yes. Study: VKGL Data-share Consensus. Not counted in ClinVar's aggregate classification.

Laboratory of Diagnostic Genome Analysis, Leiden University Medical Center (LUMC)
Classification: Likely benign. Review status: no assertion criteria provided. Collection method: clinical testing. Allele origin: germline. Affected: yes. Study: VKGL Data-share Consensus. Not counted in ClinVar's aggregate classification.

NM_004958.4(MTOR):c.5502_5519dup (p.Ala1835_Thr1840dup)

Gene: MTOR (mechanistic target of rapamycin kinase; minus strand). Cytogenetic location: 1p36.22.
Variant type: Duplication.
Coding change: c.5502_5519dup on transcript NM_004958.4 (MANE Select); coding-DNA positions 5502 to 5519, 18 bases duplicated (GGCCGCCACTGCCACCAC).
Protein change: p.Ala1835_Thr1840dup.
Molecular consequence: inframe insertion.
Genome position (GRCh38, 1-based): chr1:11,130,623-11,130,640, GTGGTGGCAGTGGCGGCC duplicated on the plus strand (GGCCGCCACTGCCACCAC on the coding strand, the reverse complement: MTOR is on the minus strand); duplicating any 18 consecutive bases within chr1:11,130,623-11,130,648 gives the same sequence; the c. name uses the placement nearest the transcript's 3' end. VCF-style (leftmost placement, unchanged base first): chr1-11130622-G-GGTGGTGGCAGTGGCGGCC. GRCh37 (hg19) VCF-style: chr1-11190679-G-GGTGGTGGCAGTGGCGGCC.
Identifiers: ClinVar variation 856110 (VCV000856110.13), dbSNP rs770515802, ClinGen allele CA589320.
Genomic context (GRCh38, chr1:11,130,622, plus strand): 5'-GGGGCTGTTCTCGGTGCTCTCGGCCTCGCTCTCACTGTTGCTGCCCTCGGTGCTGGCAGT[G>GGTGGTGGCAGTGGCGGCC]GTGGTGGCAGTGGCGGCCGTGGTGGCGGCAGTGGTGGCGTTGGTGATGTTGGCCCCGCTG-3'